The following is an entry in ClinVar:

NM_001243133.2(NLRP3):c.914T>C (p.Leu305Pro)

Gene: NLRP3 (NLR family pyrin domain containing 3; plus strand). Cytogenetic location: 1q44.
Variant type: single nucleotide variant.
Coding change: c.914T>C on transcript NM_001243133.2 (MANE Select); coding-DNA position 914, T replaced by C.
Protein change: p.Leu305Pro; replaces leucine 305 with proline.
Molecular consequence: missense variant.
Genome position (GRCh38, 1-based): chr1:247,424,363, T>C. VCF-style: chr1-247424363-T-C. GRCh37 (hg19) VCF-style: chr1-247587665-T-C.
Other names: c.914T>C, p.Leu305Pro (NM_001079821.3, NM_001127461.3, NM_001127462.3 and 1 more transcripts); c.920T>C, p.Leu307Pro (NM_004895.5); short protein forms L307P, L305P.
Identifiers: ClinVar variation 97982 (VCV000097982.11), dbSNP rs180177431, ClinGen allele CA281403.
Genomic context (GRCh38, chr1:247,424,363, plus strand): 5'-TCCACAAGATCGTGAGAAAACCCTCCAGAATCCTCTTCCTCATGGACGGCTTCGATGAGC[T>C]GCAAGGTGCCTTTGACGAGCACATAGGACCGCTCTGCACTGACTGGCAGAAGGCCGAGCG-3'
Protein context (NP_001230062.1, residues 295-315): ILFLMDGFDE[Leu305Pro]QGAFDEHIGP

ClinVar aggregate classification (germline): Pathogenic/Likely pathogenic. Review status: criteria provided, multiple submitters, no conflicts (2 of 4 stars). 4 submissions from 4 submitters: Pathogenic (2); Likely pathogenic (1). 1 of the submissions does not count toward it. Last evaluated 2021-09-28.

Conditions:
Autoinflammatory syndrome. Identifiers: Orphanet 93665, MedGen C3890737, MONDO:0019751.
Cryopyrin associated periodic syndrome (CAPS). Identifiers: Orphanet 208650, MedGen C2316212, MONDO:0016168.
Familial cold autoinflammatory syndrome 1 (FCAS1). Also called: Familial cold inflammatory syndrome 1; CRYOPYRIN-ASSOCIATED PERIODIC SYNDROME 1. Identifiers: Orphanet 47045, MedGen C4551895, MONDO:0007349, OMIM 120100.

Submissions (4):

Genome Diagnostics Laboratory, The Hospital for Sick Children
Classification: Likely pathogenic for Autoinflammatory syndrome. Last evaluated: 2021-09-28. Review status: criteria provided, single submitter. Criteria: ACMG Guidelines, 2015. Collection method: clinical testing. Allele origin: germline. Affected: yes.

Labcorp Genetics (formerly Invitae), Labcorp
Classification: Pathogenic for Cryopyrin associated periodic syndrome. Last evaluated: 2021-01-28. Review status: criteria provided, single submitter. Criteria: Invitae Variant Classification Sherloc (09022015). Collection method: clinical testing. Allele origin: germline.
Comment: This sequence change replaces leucine with proline at codon 307 of the NLRP3 protein (p.Leu307Pro). The leucine residue is highly conserved and there is a moderate physicochemical difference between leucine and proline. For these reasons, this variant has been classified as Pathogenic. Advanced modeling of protein sequence and biophysical properties (such as structural, functional, and spatial information, amino acid conservation, physicochemical variation, residue mobility, and thermodynamic stability) performed at Invitae indicates that this missense variant is expected to disrupt NLRP3 protein function. This variant has been observed in individual(s) with familial cold autoinflammatory syndrome (PMID: 12355493, 17393462, 20131270, 15593220). It has also been observed to segregate with disease in related individuals. This variant is also called L305P in the literature. ClinVar contains an entry for this variant (Variation ID: 97982). This variant is not present in population databases (ExAC no frequency).

GeneDx
Classification: Pathogenic. Last evaluated: 2021-01-05. Review status: criteria provided, single submitter. Criteria: GeneDx Variant Classification Process June 2021. Collection method: clinical testing. Allele origin: germline. Affected: yes.
Comment: Not observed in large population cohorts (Lek et al., 2016); In silico analysis supports that this missense variant has a deleterious effect on protein structure/function; This variant is associated with the following publications: (PMID: 22230390, 17393462, 12355493, 15593220, 25653548, 20131270, 27314497, 25407006)

Unité médicale des maladies autoinflammatoires, CHRU Montpellier
No classification provided. Condition: Familial cold urticaria. Review status: no classification provided. Collection method: not provided. Allele origin: unknown. Not counted in ClinVar's aggregate classification.
Comment: also involved in OMIM 191900 and 607115

Literature cited by the submitters: PubMed 12355493 (cited by Labcorp Genetics (formerly Invitae), Labcorp); PubMed 17393462 (cited by Labcorp Genetics (formerly Invitae), Labcorp); PubMed 20131270 (cited by Labcorp Genetics (formerly Invitae), Labcorp); PubMed 15593220 (cited by Labcorp Genetics (formerly Invitae), Labcorp).